The following is an entry in ClinVar:

ClinVar aggregate classification (germline): Pathogenic (1 of 4 stars; one submission).

Conditions:
Alport syndrome. Also called: Hemorrhagic familial nephritis; Hemorrhagic hereditary nephritis; Congenital hereditary hematuria. Identifiers: Orphanet 63, MedGen C1567741, MONDO:0018965.

Submission:

Myriad Genetics, Inc.
Classification: Pathogenic for Alport syndrome. Last evaluated: 2024-06-16. Review status: criteria provided, single submitter. Criteria: Myriad Autosomal Dominant, Autosomal Recessive and X-Linked Classification Criteria (2023). Collection method: clinical testing. Allele origin: unknown.
Comment: NM_000091.4(COL4A3):c.382delT(S128Lfs*25) is expected to be pathogenic in the context of Alport syndrome, COL4A3-related. This variant is predicted to lead to an abnormal or absent protein product due to the creation of a premature termination codon in COL4A3, a gene where loss-of-function variants are known to be pathogenic. Please note: this variant was assessed in the context of healthy population screening.

NM_000091.5(COL4A3):c.382del (p.Ser128fs)

Genes: COL4A3 (collagen type IV alpha 3 chain; plus strand), MFF-DT (MFF divergent transcript; minus strand). Cytogenetic location: 2q36.3.
Variant type: Deletion.
Coding change: c.382del on transcript NM_000091.5 (MANE Select); coding-DNA position 382, one base deleted (T; older notation c.382delT).
Protein change: p.Ser128fs; shifts the reading frame from serine 128.
Molecular consequence: frameshift variant.
Genome position (GRCh38, 1-based): chr2:227,246,011, T deleted; the last of 2 consecutive T bases (chr2:227,246,010-227,246,011); deleting either gives the same sequence. VCF-style (leftmost placement, unchanged base first): chr2-227246009-GT-G. GRCh37 (hg19) VCF-style: chr2-228110725-GT-G.
Other names: short protein forms S128fs.
Identifiers: ClinVar variation 5013188 (VCV005013188.1).